The following is an entry in ClinVar:

ClinVar aggregate classification (germline): Uncertain significance (1 of 4 stars; one submission).

Conditions:
Hereditary sensory and autonomic neuropathy type 1 (HSAN1). Also called: HSAN 1; HSN Type I; Hereditary Sensory Neuropathy Type I. Identifiers: Orphanet 36386, MedGen C0020071, MONDO:0018213.

Allele frequency attached by ClinVar (database versions not stated): gnomAD exomes below 0.00001; TOPMed 0.00001.
gnomAD v4.1: 2 of 1,614,102 alleles (0.00012%); highest among the groups gnomAD compares: Non-Finnish European, 0.00017%; no homozygotes.

Submission:

Labcorp Genetics (formerly Invitae), Labcorp
Classification: Uncertain significance for Hereditary sensory and autonomic neuropathy type 1. Last evaluated: 2023-03-11. Review status: criteria provided, single submitter. Criteria: Invitae Variant Classification Sherloc (09022015). Collection method: clinical testing. Allele origin: germline.
Comment: This variant is not present in population databases (gnomAD no frequency). In summary, the available evidence is currently insufficient to determine the role of this variant in disease. Therefore, it has been classified as a Variant of Uncertain Significance. Advanced modeling of protein sequence and biophysical properties (such as structural, functional, and spatial information, amino acid conservation, physicochemical variation, residue mobility, and thermodynamic stability) performed at Invitae indicates that this missense variant is not expected to disrupt SPTLC1 protein function. This variant has not been reported in the literature in individuals affected with SPTLC1-related conditions. This sequence change replaces tyrosine, which is neutral and polar, with cysteine, which is neutral and slightly polar, at codon 128 of the SPTLC1 protein (p.Tyr128Cys).

NM_006415.4(SPTLC1):c.383A>G (p.Tyr128Cys)

Gene: SPTLC1 (serine palmitoyltransferase long chain base subunit 1; minus strand). Cytogenetic location: 9q22.31.
Variant type: single nucleotide variant.
Coding change: c.383A>G on transcript NM_006415.4 (MANE Select); coding-DNA position 383, A replaced by G.
Protein change: p.Tyr128Cys; replaces tyrosine 128 with cysteine.
Molecular consequence: missense variant. On other transcripts: 5 prime UTR variant (2).
Genome position (GRCh38, 1-based): chr9:92,080,060, T>C on the plus strand (A>G on the coding strand, the complement: SPTLC1 is on the minus strand). VCF-style: chr9-92080060-T-C. GRCh37 (hg19) VCF-style: chr9-94842342-T-C.
Other names: c.383A>G, p.Tyr128Cys (NM_001281303.2, NM_178324.3); c.-117A>G (NM_001368272.1); c.-83A>G (NM_001368273.1); short protein forms Y128C.
Identifiers: ClinVar variation 2721749 (VCV002721749.3), dbSNP rs1348933099, ClinGen allele CA373788154.